The following is an entry in ClinVar:

NM_001102564.3(IFT43):c.457G>A (p.Asp153Asn)

Gene: IFT43 (intraflagellar transport 43; plus strand). Cytogenetic location: 14q24.3.
Variant type: single nucleotide variant.
Coding change: c.457G>A on transcript NM_001102564.3 (MANE Select); coding-DNA position 457, G replaced by A.
Protein change: p.Asp153Asn; replaces aspartic acid 153 with asparagine.
Molecular consequence: missense variant. On other transcripts: non-coding transcript variant (2).
Genome position (GRCh38, 1-based): chr14:76,083,239, G>A. VCF-style: chr14-76083239-G-A. GRCh37 (hg19) VCF-style: chr14-76549582-G-A.
Other names: c.472G>A, p.Asp158Asn (NM_052873.3); short protein forms D158N, D153N.
Identifiers: ClinVar variation 2190373 (VCV002190373.2), dbSNP rs768619440, ClinGen allele CA7280909.

ClinVar aggregate classification (germline): Uncertain significance (1 of 4 stars; one submission).

Allele frequency attached by ClinVar (database versions not stated): TOPMed 0.00001; ExAC 0.00002.

Submission:

Labcorp Genetics (formerly Invitae), Labcorp
Classification: Uncertain significance. Last evaluated: 2022-11-20. Review status: criteria provided, single submitter. Criteria: Invitae Variant Classification Sherloc (09022015). Collection method: clinical testing. Allele origin: germline.
Comment: In summary, the available evidence is currently insufficient to determine the role of this variant in disease. Therefore, it has been classified as a Variant of Uncertain Significance. Algorithms developed to predict the effect of missense changes on protein structure and function are either unavailable or do not agree on the potential impact of this missense change (SIFT: "Deleterious"; PolyPhen-2: "Probably Damaging"; Align-GVGD: "Class C15"). This variant has not been reported in the literature in individuals affected with IFT43-related conditions. This variant is present in population databases (rs768619440, gnomAD 0.02%). This sequence change replaces aspartic acid, which is acidic and polar, with asparagine, which is neutral and polar, at codon 158 of the IFT43 protein (p.Asp158Asn).